The following is an entry in ClinVar:

ClinVar aggregate classification (germline): Uncertain significance. Review status: criteria provided, multiple submitters, no conflicts (2 of 4 stars). 4 submissions from 4 submitters: Uncertain significance (4). Last evaluated 2024-11-05.

Conditions:
Arrhythmogenic right ventricular dysplasia 5. Also called: Arrhythmogenic Right Ventricular Dysplasia/Cardiomyopathy 5; ARRHYTHMOGENIC RIGHT VENTRICULAR DYSPLASIA, FAMILIAL, 5. Identifiers: MedGen C1858379, MONDO:0011459, OMIM 604400.
Cardiomyopathy (CMYO). Also called: Cardiomyopathies. Identifiers: Orphanet 167848, MedGen C0878544, MONDO:0004994, HP:0001638. Inheritance: Various modes of inheritance.
Cardiovascular phenotype. Identifiers: MedGen CN230736.

Allele frequency attached by ClinVar (database versions not stated): gnomAD exomes below 0.00001.

Submissions (4):

Labcorp Genetics (formerly Invitae), Labcorp
Classification: Uncertain significance for Arrhythmogenic right ventricular dysplasia 5. Last evaluated: 2024-11-05. Review status: criteria provided, single submitter. Criteria: Invitae Variant Classification Sherloc (09022015). Collection method: clinical testing. Allele origin: germline.
Comment: This sequence change replaces lysine, which is basic and polar, with glutamic acid, which is acidic and polar, at codon 141 of the TMEM43 protein (p.Lys141Glu). This variant is present in population databases (no rsID available, gnomAD 0.006%). This variant has not been reported in the literature in individuals affected with TMEM43-related conditions. ClinVar contains an entry for this variant (Variation ID: 2774594). Invitae Evidence Modeling of protein sequence and biophysical properties (such as structural, functional, and spatial information, amino acid conservation, physicochemical variation, residue mobility, and thermodynamic stability) indicates that this missense variant is not expected to disrupt TMEM43 protein function with a negative predictive value of 80%. In summary, the available evidence is currently insufficient to determine the role of this variant in disease. Therefore, it has been classified as a Variant of Uncertain Significance.

Ambry Genetics
Classification: Uncertain significance for Cardiovascular phenotype. Last evaluated: 2024-06-26. Review status: criteria provided, single submitter. Criteria: Ambry Variant Classification Scheme 2023. Collection method: clinical testing. Allele origin: germline.
Comment: The p.K141E variant (also known as c.421A>G), located in coding exon 5 of the TMEM43 gene, results from an A to G substitution at nucleotide position 421. The lysine at codon 141 is replaced by glutamic acid, an amino acid with similar properties. This amino acid position is conserved. In addition, this alteration is predicted to be tolerated by in silico analysis. Based on the available evidence, the clinical significance of this variant remains unclear.

Color Diagnostics, LLC DBA Color Health
Classification: Uncertain significance for Cardiomyopathy. Last evaluated: 2024-03-06. Review status: criteria provided, single submitter. Criteria: ACMG Guidelines, 2015. Collection method: clinical testing. Allele origin: germline.
Comment: This missense variant replaces lysine with glutamic acid at codon 141 of the TMEM43 protein. Computational prediction suggests that this variant may not impact protein structure and function (internally defined REVEL score threshold <= 0.5, PMID: 27666373). To our knowledge, functional studies have not been reported for this variant. This variant has not been reported in individuals affected with cardiovascular disorders in the literature. This variant has been identified in 1/251380 chromosomes in the general population by the Genome Aggregation Database (gnomAD). The available evidence is insufficient to determine the role of this variant in disease conclusively. Therefore, this variant is classified as a Variant of Uncertain Significance.

All of Us Research Program, National Institutes of Health
Classification: Uncertain significance for Arrhythmogenic right ventricular dysplasia 5. Last evaluated: 2023-12-01. Review status: criteria provided, single submitter. Criteria: ACMG Guidelines, 2015. Collection method: clinical testing. Allele origin: germline. Inheritance: Autosomal dominant inheritance. Observed: 1 variant allele, 1 heterozygote.
Comment: This missense variant replaces lysine with glutamic acid at codon 141 of the TMEM43 protein. Computational prediction suggests that this variant may not impact protein structure and function (internally defined REVEL score threshold <= 0.5, PMID: 27666373). To our knowledge, functional studies have not been reported for this variant. This variant has not been reported in individuals affected with cardiovascular disorders in the literature. This variant has been identified in 1/251380 chromosomes in the general population by the Genome Aggregation Database (gnomAD). The available evidence is insufficient to determine the role of this variant in disease conclusively. Therefore, this variant is classified as a Variant of Uncertain Significance.

This study involves interpretation of variants in research participants for the purpose of population health screening. Participant phenotype was not available at the time of variant classification. Additional details can be found in publication PMID: 35346344, PMCID: PMC8962531

NM_024334.3(TMEM43):c.421A>G (p.Lys141Glu)

Gene: TMEM43 (transmembrane protein 43; plus strand). Cytogenetic location: 3p25.1.
Variant type: single nucleotide variant.
Coding change: c.421A>G on transcript NM_024334.3 (MANE Select); coding-DNA position 421, A replaced by G.
Protein change: p.Lys141Glu; replaces lysine 141 with glutamic acid.
Molecular consequence: missense variant.
Genome position (GRCh38, 1-based): chr3:14,132,574, A>G. VCF-style: chr3-14132574-A-G. GRCh37 (hg19) VCF-style: chr3-14174074-A-G.
Other names: c.421A>G, p.Lys141Glu (NM_001407274.1, NM_001407275.1, NM_001407276.1 and 2 more transcripts); c.406A>G, p.Lys136Glu (NM_001407278.1); c.271A>G, p.Lys91Glu (NM_001407280.1); short protein forms K141E, K136E, K91E.
Identifiers: ClinVar variation 2774594 (VCV002774594.6), dbSNP rs1159934745, ClinGen allele CA351535034.